The following is an entry in ClinVar:

ClinVar aggregate classification (germline): Uncertain significance (1 of 4 stars; one submission).

Submission:

GeneDx
Classification: Uncertain significance. Last evaluated: 2024-08-30. Review status: criteria provided, single submitter. Criteria: GeneDx Variant Classification Process June 2021. Collection method: clinical testing. Allele origin: germline. Affected: yes.
Comment: Not observed at significant frequency in large population cohorts (gnomAD); In silico analysis supports that this missense variant has a deleterious effect on protein structure/function; Has not been previously published as pathogenic or benign to our knowledge

NM_001001557.4(GDF6):c.595G>C (p.Ala199Pro)

Gene: GDF6 (growth differentiation factor 6; minus strand). Cytogenetic location: 8q22.1.
Variant type: single nucleotide variant.
Coding change: c.595G>C on transcript NM_001001557.4 (MANE Select); coding-DNA position 595, G replaced by C.
Protein change: p.Ala199Pro; replaces alanine 199 with proline.
Molecular consequence: missense variant.
Genome position (GRCh38, 1-based): chr8:96,145,336, C>G on the plus strand (G>C on the coding strand, the complement: GDF6 is on the minus strand). VCF-style: chr8-96145336-C-G. GRCh37 (hg19) VCF-style: chr8-97157564-C-G.
Other names: short protein forms A199P.
Identifiers: ClinVar variation 3766134 (VCV003766134.1).
Genomic context (GRCh38, chr8:96,145,336, plus strand): 5'-GCCACACGTCGAAGACTTCCCAGCCGGCCGGCGGCGCCCCCTGCGGGTCCAGGGTCCGCG[C>G]GTCCAGCAGTAGGGGCGAAAGGCAAGGGAAGAGCTGCACGTGGAGCGGCCCGGCTGGTGG-3'
Protein context (NP_001001557.1, residues 189-209): FPCLSPLLLD[Ala199Pro]RTLDPQGAPP